The following is an entry in ClinVar:

NM_001330588.2(TPP2):c.3778T>C (p.Cys1260Arg)

Gene: TPP2 (tripeptidyl peptidase 2; plus strand). Cytogenetic location: 13q33.1.
Variant type: single nucleotide variant.
Coding change: c.3778T>C on transcript NM_001330588.2 (MANE Select); coding-DNA position 3778, T replaced by C.
Protein change: p.Cys1260Arg; replaces cysteine 1260 with arginine.
Molecular consequence: missense variant. On other transcripts: non-coding transcript variant (1).
Genome position (GRCh38, 1-based): chr13:102,678,305, T>C. VCF-style: chr13-102678305-T-C. GRCh37 (hg19) VCF-style: chr13-103330655-T-C.
Other names: c.3865T>C, p.Cys1289Arg (NM_001367947.1); c.3739T>C, p.Cys1247Arg (NM_003291.4); short protein forms C1289R, C1247R, C1260R.
Identifiers: ClinVar variation 1466664 (VCV001466664.3), dbSNP rs1459769959, ClinGen allele CA388472974.

ClinVar aggregate classification (germline): Uncertain significance (1 of 4 stars; one submission).

Conditions:
Evans syndrome, immunodeficiency, and premature immunosenescence associated with tripeptidyl-peptidase II deficiency. Identifiers: MedGen CN231723. Disease mechanism: loss of function.

Allele frequency attached by ClinVar (database versions not stated): TOPMed below 0.00001; gnomAD 0.00001; gnomAD exomes 0.00001.
gnomAD v4.1: 14 of 1,613,390 alleles (0.00087%); highest among the groups gnomAD compares: Non-Finnish European, 0.00025%; no homozygotes.

Submission:

Labcorp Genetics (formerly Invitae), Labcorp
Classification: Uncertain significance for Evans syndrome, immunodeficiency, and premature immunosenescence associated with tripeptidyl-peptidase II deficiency. Last evaluated: 2022-08-09. Review status: criteria provided, single submitter. Criteria: Invitae Variant Classification Sherloc (09022015). Collection method: clinical testing. Allele origin: germline.
Comment: This sequence change replaces cysteine, which is neutral and slightly polar, with arginine, which is basic and polar, at codon 1247 of the TPP2 protein (p.Cys1247Arg). This variant is present in population databases (no rsID available, gnomAD 0.04%). This variant has not been reported in the literature in individuals affected with TPP2-related conditions. ClinVar contains an entry for this variant (Variation ID: 1466664). Algorithms developed to predict the effect of missense changes on protein structure and function (SIFT, PolyPhen-2, Align-GVGD) all suggest that this variant is likely to be tolerated. In summary, the available evidence is currently insufficient to determine the role of this variant in disease. Therefore, it has been classified as a Variant of Uncertain Significance.